The following is an entry in ClinVar:

ClinVar aggregate classification (germline): Likely benign (1 of 4 stars; one submission).

Submission:

Molecular Diagnostic Laboratory for Inherited Cardiovascular Disease, Montreal Heart Institute
Classification: Likely benign. Last evaluated: 2026-03-27. Review status: criteria provided, single submitter. Criteria: ACMG Guidelines, 2015. Collection method: clinical testing. Allele origin: germline. Affected: no.
Comment: BS1

NM_000071.3(CBS):c.316+474T>G

Gene: CBS (cystathionine beta-synthase; minus strand). Cytogenetic location: 21q22.3.
Variant type: single nucleotide variant.
Coding change: c.316+474T>G on transcript NM_000071.3 (MANE Select); 474 bases into the intron after coding-DNA position 316, T replaced by G.
Molecular consequence: intron variant. On other transcripts: 5 prime UTR variant (1).
Genome position (GRCh38, 1-based): chr21:43,068,035, A>C on the plus strand (T>G on the coding strand, the complement: CBS is on the minus strand). VCF-style: chr21-43068035-A-C. GRCh37 (hg19) VCF-style: chr21-44488145-A-C.
Other names: c.-257T>G (NM_001321072.1); c.316+474T>G (NM_001320298.2, NM_001178009.3, NM_001178008.3).
Identifiers: ClinVar variation 4820375 (VCV004820375.1), dbSNP rs114827558.